The following is an entry in ClinVar:

ClinVar aggregate classification (germline): Uncertain significance (1 of 4 stars; one submission).

gnomAD v4.1: 2 of 1,613,536 alleles (0.00012%); highest among the groups gnomAD compares: Non-Finnish European, 0.00017%; no homozygotes.

Submission:

CeGaT Center for Human Genetics Tuebingen
Classification: Uncertain significance. Last evaluated: 2022-08-01. Review status: criteria provided, single submitter. Criteria: CeGaT Center For Human Genetics Tuebingen Variant Classification Criteria Version 2. Collection method: clinical testing. Allele origin: germline. Affected: yes. Observed: 1 variant allele.
Comment: COL12A1: PM2

NM_004370.6(COL12A1):c.3598A>G (p.Ile1200Val)

Gene: COL12A1 (collagen type XII alpha 1 chain; minus strand). Cytogenetic location: 6q13.
Variant type: single nucleotide variant.
Coding change: c.3598A>G on transcript NM_004370.6 (MANE Select); coding-DNA position 3598, A replaced by G.
Protein change: p.Ile1200Val; replaces isoleucine 1200 with valine.
Molecular consequence: missense variant.
Genome position (GRCh38, 1-based): chr6:75,152,450, T>C on the plus strand (A>G on the coding strand, the complement: COL12A1 is on the minus strand). VCF-style: chr6-75152450-T-C. GRCh37 (hg19) VCF-style: chr6-75862166-T-C.
Other names: c.106A>G, p.Ile36Val (NM_080645.3); short protein forms I1200V, I36V.
Identifiers: ClinVar variation 1711632 (VCV001711632.30), dbSNP rs1767543455, ClinGen allele CA364750720.